The following is an entry in ClinVar:

NM_001379081.2(FREM1):c.2212C>G (p.Gln738Glu)

Gene: FREM1 (FRAS1 related extracellular matrix 1; minus strand). Cytogenetic location: 9p22.3.
Variant type: single nucleotide variant.
Coding change: c.2212C>G on transcript NM_001379081.2 (MANE Select); coding-DNA position 2212, C replaced by G.
Protein change: p.Gln738Glu; replaces glutamine 738 with glutamic acid.
Molecular consequence: missense variant. On other transcripts: non-coding transcript variant (2).
Genome position (GRCh38, 1-based): chr9:14,823,285, G>C on the plus strand (C>G on the coding strand, the complement: FREM1 is on the minus strand). VCF-style: chr9-14823285-G-C. GRCh37 (hg19) VCF-style: chr9-14823283-G-C.
Other names: c.2212C>G, p.Gln738Glu (NM_144966.7); short protein forms Q738E.
Identifiers: ClinVar variation 726785 (VCV000726785.15), dbSNP rs182946445, ClinGen allele CA4990997.

ClinVar aggregate classification (germline): Conflicting classifications of pathogenicity. Review status: criteria provided, conflicting classifications (1 of 4 stars). 5 submissions from 5 submitters: Uncertain significance (1); Likely benign (3). 1 of the submissions does not count toward it. Last evaluated 2025-10-26.

Conditions:
BNAR syndrome. Also called: Bifid Nose With or Without Anorectal and Renal Anomalies (BNAR) Syndrome. Identifiers: Orphanet 217266, MedGen C2750433, MONDO:0012165, OMIM 608980.
Oculotrichoanal syndrome (MOTA). Also called: MARLES SYNDROME; Manitoba Oculotrichoanal (MOTA) Syndrome. Identifiers: Orphanet 2717, MedGen C1855425, MONDO:0009560, OMIM 248450.
Trigonocephaly 2 (TRIGNO2). Identifiers: Orphanet 3366, MedGen C3280974, MONDO:0013774, OMIM 614485.
FREM1-related disorder. Also called: FREM1-Related Disorders; FREM1-related condition.

Allele frequency attached by ClinVar (database versions not stated): 1000 Genomes Project 0.00140; ExAC 0.00036; ESP Exome Variant Server 0.00131; TOPMed 0.00154; 1000 Genomes Project 30x 0.00125.
gnomAD v4.1: 393 of 1,613,948 alleles (0.024%); highest among the groups gnomAD compares: African/African-American, 0.48%; no homozygotes.

Submissions (5):

Labcorp Genetics (formerly Invitae), Labcorp
Classification: Likely benign. Last evaluated: 2025-10-26. Review status: criteria provided, single submitter. Criteria: Invitae Variant Classification Sherloc (09022015). Collection method: clinical testing. Allele origin: germline.

Department of Pathology and Laboratory Medicine, Sinai Health System
Classification: Uncertain significance for Oculotrichoanal syndrome; BNAR syndrome; Trigonocephaly 2. Last evaluated: 2021-07-30. Review status: criteria provided, single submitter. Criteria: ACMG Guidelines, 2015. Collection method: research. Allele origin: germline.

Illumina Laboratory Services, Illumina
Classification: Likely benign for Oculotrichoanal syndrome. Last evaluated: 2018-01-12. Review status: criteria provided, single submitter. Criteria: ICSL Variant Classification Criteria 13 December 2019. Collection method: clinical testing. Allele origin: germline.
Comment: This variant was observed in the ICSL laboratory as part of a predisposition screen in an ostensibly healthy population. It had not been previously curated by ICSL or reported in the Human Gene Mutation Database (HGMD: prior to June 1st, 2018), and was therefore a candidate for classification through an automated scoring system. Utilizing variant allele frequency, disease prevalence and penetrance estimates, and inheritance mode, an automated score was calculated to assess if this variant is too frequent to cause the disease. Based on the score and internal cut-off values, a variant classified as likely benign is not then subjected to further curation. The score for this variant resulted in a classification of likely benign for this disease.

Breakthrough Genomics
Classification: Likely benign. Review status: criteria provided, single submitter. Criteria: ACMG Guidelines, 2015. Collection method: not provided. Allele origin: germline. Inheritance: Autosomal recessive inheritance. Affected: yes.

PreventionGenetics, part of Exact Sciences
Classification: Likely benign for FREM1-related condition. Last evaluated: 2024-05-22. Review status: no assertion criteria provided. Collection method: clinical testing. Allele origin: germline. Not counted in ClinVar's aggregate classification.
Comment: This variant is classified as likely benign based on ACMG/AMP sequence variant interpretation guidelines (Richards et al. 2015 PMID: 25741868, with internal and published modifications).